The following is an entry in ClinVar:

NC_000015.10:g.84816965G>A

Gene: ALPK3 (alpha kinase 3; plus strand). Cytogenetic location: 15q25.3.
Variant type: single nucleotide variant.
Genome position: GRCh38 VCF-style: chr15-84816965-G-A. GRCh37 (hg19) VCF-style: chr15-85360196-G-A.
Other names: short protein forms R40Q.
Identifiers: ClinVar variation 1746893 (VCV001746893.4), dbSNP rs1471878056, ClinGen allele CA393368191.

ClinVar aggregate classification (germline): Uncertain significance. Review status: criteria provided, multiple submitters, no conflicts (2 of 4 stars). 2 submissions from 2 submitters: Uncertain significance (2). Last evaluated 2024-02-21.

Conditions:
Cardiovascular phenotype. Identifiers: MedGen CN230736.

Allele frequency attached by ClinVar (database versions not stated): gnomAD 0.00001; TOPMed below 0.00001; gnomAD exomes below 0.00001.

Submissions (2):

Labcorp Genetics (formerly Invitae), Labcorp
Classification: Uncertain significance. Last evaluated: 2024-02-21. Review status: criteria provided, single submitter. Criteria: Invitae Variant Classification Sherloc (09022015). Collection method: clinical testing. Allele origin: germline.
Comment: This sequence change replaces arginine, which is basic and polar, with glutamine, which is neutral and polar, at codon 40 of the ALPK3 protein (p.Arg40Gln). This variant is not present in population databases (gnomAD no frequency). This variant has not been reported in the literature in individuals affected with ALPK3-related conditions. ClinVar contains an entry for this variant (Variation ID: 1746893). An algorithm developed to predict the effect of missense changes on protein structure and function (PolyPhen-2) suggests that this variant is likely to be tolerated. In summary, the available evidence is currently insufficient to determine the role of this variant in disease. Therefore, it has been classified as a Variant of Uncertain Significance.

Ambry Genetics
Classification: Uncertain significance for Cardiovascular phenotype. Last evaluated: 2022-10-07. Review status: criteria provided, single submitter. Criteria: Ambry Variant Classification Scheme 2023. Collection method: clinical testing. Allele origin: germline.
Comment: The p.R40Q variant (also known as c.119G>A), located in coding exon 1 of the ALPK3 gene, results from a G to A substitution at nucleotide position 119. The arginine at codon 40 is replaced by glutamine, an amino acid with highly similar properties. This amino acid position is conserved. In addition, this alteration is predicted to be tolerated by in silico analysis. Since supporting evidence is limited at this time, the clinical significance of this alteration remains unclear.